The following is an entry in ClinVar:

ClinVar aggregate classification (germline): Uncertain significance (1 of 4 stars; one submission).

Conditions:
Multiple endocrine neoplasia, type 2 (MEN2). Identifiers: Orphanet 653, MedGen C4048306, MONDO:0019003. Disease mechanism: gain of function.

gnomAD v4.1: 1 of 1,612,656 alleles (0.000062%); no homozygotes.

Submission:

Labcorp Genetics (formerly Invitae), Labcorp
Classification: Uncertain significance for Multiple endocrine neoplasia, type 2. Last evaluated: 2022-02-20. Review status: criteria provided, single submitter. Criteria: Invitae Variant Classification Sherloc (09022015). Collection method: clinical testing. Allele origin: germline.
Comment: This sequence change replaces lysine, which is basic and polar, with glutamine, which is neutral and polar, at codon 603 of the RET protein (p.Lys603Gln). This variant is not present in population databases (gnomAD no frequency). This missense change has been observed in individual(s) with medullary thyroid cancer (PMID: 11746981, 28946813). Algorithms developed to predict the effect of missense changes on protein structure and function (SIFT, PolyPhen-2, Align-GVGD) all suggest that this variant is likely to be tolerated. Experimental studies are conflicting or provide insufficient evidence to determine the effect of this variant on RET function (PMID: 15277225). In summary, the available evidence is currently insufficient to determine the role of this variant in disease. Therefore, it has been classified as a Variant of Uncertain Significance.

Literature cited by the submitters: PubMed 11746981; PubMed 28946813; PubMed 15277225.

NM_020975.6(RET):c.1807A>C (p.Lys603Gln)

Gene: RET (ret proto-oncogene; plus strand). Cytogenetic location: 10q11.21.
Variant type: single nucleotide variant.
Coding change: c.1807A>C on transcript NM_020975.6 (MANE Select); coding-DNA position 1807, A replaced by C.
Protein change: p.Lys603Gln; replaces lysine 603 with glutamine.
Molecular consequence: missense variant.
Genome position (GRCh38, 1-based): chr10:43,113,603, A>C. VCF-style: chr10-43113603-A-C. GRCh37 (hg19) VCF-style: chr10-43609051-A-C.
Other names: c.1807A>C, p.Lys603Gln (NM_000323.2, NM_001406743.1, NM_001406744.1 and 6 more transcripts); c.1045A>C, p.Lys349Gln (NM_001355216.2); c.1678A>C, p.Lys560Gln (NM_001406761.1, NM_001406762.1, NM_001406764.1 and 1 more transcripts); c.1519A>C, p.Lys507Gln (NM_001406766.1, NM_001406767.1, NM_001406770.1); c.1411A>C, p.Lys471Gln (NM_001406769.1, NM_001406772.1); c.1369A>C, p.Lys457Gln (NM_001406771.1, NM_001406773.1); c.1282A>C, p.Lys428Gln (NM_001406774.1); c.1081A>C, p.Lys361Gln (NM_001406775.1, NM_001406776.1, NM_001406777.1 and 1 more transcripts); and 5 more; short protein forms K349Q, K208Q, K428Q, K273Q, K457Q, K471Q, K507Q, K120Q.
Identifiers: ClinVar variation 1406178 (VCV001406178.6), dbSNP rs377767394, ClinGen allele CA007772.